The following is an entry in ClinVar:

NM_004360.5(CDH1):c.1072A>G (p.Thr358Ala)

Gene: CDH1 (cadherin 1; plus strand). Cytogenetic location: 16q22.1.
Variant type: single nucleotide variant.
Coding change: c.1072A>G on transcript NM_004360.5 (MANE Select); coding-DNA position 1072, A replaced by G.
Protein change: p.Thr358Ala; replaces threonine 358 with alanine.
Molecular consequence: missense variant. On other transcripts: 5 prime UTR variant (2).
Genome position (GRCh38, 1-based): chr16:68,812,198, A>G. VCF-style: chr16-68812198-A-G. GRCh37 (hg19) VCF-style: chr16-68846101-A-G.
Other names: c.1072A>G, p.Thr358Ala (NM_001317184.2); c.-544A>G (NM_001317185.2); c.-748A>G (NM_001317186.2); short protein forms T358A.
Identifiers: ClinVar variation 1783822 (VCV001783822.9), dbSNP rs1960857296, ClinGen allele CA396460046.
Genomic context (GRCh38, chr16:68,812,198, plus strand): 5'-TTCCCTACGTATACCCTGGTGGTTCAAGCTGCTGACCTTCAAGGTGAGGGGTTAAGCACA[A>G]CAGCAACAGCTGTGATCACAGTCACTGACACCAACGATAATCCTCCGATCTTCAATCCCA-3'
Protein context (NP_004351.1, residues 348-368): ADLQGEGLST[Thr358Ala]ATAVITVTDT

ClinVar aggregate classification (germline): Conflicting classifications of pathogenicity. Review status: criteria provided, conflicting classifications (1 of 4 stars). 3 submissions from 3 submitters: Uncertain significance (2); Likely benign (1). Last evaluated 2024-04-16.

Conditions:
Hereditary cancer-predisposing syndrome. Also called: Tumor predisposition; Neoplastic Syndromes, Hereditary; Hereditary Cancer Syndrome; Hereditary neoplastic syndrome. Identifiers: Orphanet 140162, MedGen C0027672, MeSH D009386, MONDO:0015356.
Hereditary diffuse gastric adenocarcinoma (HDGC). Also called: DIFFUSE GASTRIC AND LOBULAR BREAST CANCER SYNDROME. Identifiers: Orphanet 26106, MedGen C1708349, MONDO:0007648, OMIM 137215.

Allele frequency attached by ClinVar (database versions not stated): gnomAD exomes below 0.00001; TOPMed below 0.00001.
gnomAD v4.1: 1 of 1,614,192 alleles (0.000062%); highest among the groups gnomAD compares: African/African-American, 0.0013%; no homozygotes.

Submissions (3):

Ambry Genetics
Classification: Likely benign for Hereditary cancer-predisposing syndrome. Last evaluated: 2024-04-16. Review status: criteria provided, single submitter. Criteria: Ambry Variant Classification Scheme 2023. Collection method: clinical testing. Allele origin: germline.

Labcorp Genetics (formerly Invitae), Labcorp
Classification: Uncertain significance for Hereditary diffuse gastric adenocarcinoma. Last evaluated: 2023-12-11. Review status: criteria provided, single submitter. Criteria: Invitae Variant Classification Sherloc (09022015). Collection method: clinical testing. Allele origin: germline.
Comment: This sequence change replaces threonine, which is neutral and polar, with alanine, which is neutral and non-polar, at codon 358 of the CDH1 protein (p.Thr358Ala). This variant is not present in population databases (gnomAD no frequency). This variant has not been reported in the literature in individuals affected with CDH1-related conditions. ClinVar contains an entry for this variant (Variation ID: 1783822). An algorithm developed to predict the effect of missense changes on protein structure and function (PolyPhen-2) suggests that this variant is likely to be tolerated. In summary, the available evidence is currently insufficient to determine the role of this variant in disease. Therefore, it has been classified as a Variant of Uncertain Significance.

GeneDx
Classification: Uncertain significance. Last evaluated: 2023-01-09. Review status: criteria provided, single submitter. Criteria: GeneDx Variant Classification Process June 2021. Collection method: clinical testing. Allele origin: germline. Affected: yes.
Comment: Not observed at significant frequency in large population cohorts (gnomAD); In silico analysis supports that this missense variant has a deleterious effect on protein structure/function; Has not been previously published as pathogenic or benign to our knowledge; This variant is associated with the following publications: (PMID: 15235021, 22850631)